The following is an entry in ClinVar:

ClinVar aggregate classification (germline): Uncertain significance (1 of 4 stars; one submission).

Submission:

GeneDx
Classification: Uncertain significance. Last evaluated: 2025-03-02. Review status: criteria provided, single submitter. Criteria: GeneDx Variant Classification Process June 2021. Collection method: clinical testing. Allele origin: germline. Affected: yes.
Comment: Not observed at significant frequency in large population cohorts (gnomAD); In silico analysis supports that this missense variant has a deleterious effect on protein structure/function; Has not been previously published as pathogenic or benign to our knowledge

NM_001194.4(HCN2):c.1555C>G (p.Leu519Val)

Gene: HCN2 (hyperpolarization activated cyclic nucleotide gated potassium and sodium channel 2; plus strand). Cytogenetic location: 19p13.3.
Variant type: single nucleotide variant.
Coding change: c.1555C>G on transcript NM_001194.4 (MANE Select); coding-DNA position 1555, C replaced by G.
Protein change: p.Leu519Val; replaces leucine 519 with valine.
Molecular consequence: missense variant.
Genome position (GRCh38, 1-based): chr19:610,376, C>G. VCF-style: chr19-610376-C-G. GRCh37 (hg19) VCF-style: chr19-610376-C-G.
Other names: short protein forms L519V.
Identifiers: ClinVar variation 4083442 (VCV004083442.1).
Genomic context (GRCh38, chr19:610,376, plus strand): 5'-AAGATCCACGACTACTATGAGCACCGTTACCAGGGCAAGATGTTTGACGAGGACAGCATC[C>G]TGGGCGAGCTCAACGGGCCCCTGCGGGAGGTGAGGCGGGCGCCGGGCGGGCGGGAGGCAG-3'
Protein context (NP_001185.3, residues 509-529): QGKMFDEDSI[Leu519Val]GELNGPLREE